The following is an entry in ClinVar:

ClinVar aggregate classification (germline): Uncertain significance. Review status: criteria provided, single submitter (1 of 4 stars). 2 submissions from 1 submitter: Uncertain significance (2). Last evaluated 2023-10-16.

Conditions:
Generalized juvenile polyposis/juvenile polyposis coli. Also called: Juvenile polyposis coli. Identifiers: Orphanet 329971, MedGen C1868081, MONDO:0008276.
Juvenile polyposis syndrome (JPS). Identifiers: Orphanet 2929, MedGen C0345893, MONDO:0017380, OMIM 174900.

Submissions (2):

Labcorp Genetics (formerly Invitae), Labcorp
Classification: Uncertain significance for Juvenile polyposis syndrome. Last evaluated: 2023-10-16. Review status: criteria provided, single submitter. Criteria: Invitae Variant Classification Sherloc (09022015). Collection method: clinical testing. Allele origin: germline.
Comment: This variant results in a copy number gain of the genomic region encompassing exon(s) 1-11 of the SMAD4 gene. This region includes the initiator codon of the gene. This copy number gain extends beyond the assayed region for this gene and therefore may encompass additional genes. As the precise location of this event is unknown, it may be in tandem or it may be located elsewhere in the genome. This variant has not been reported in the literature in individuals affected with SMAD4-related conditions. In summary, the available evidence is currently insufficient to determine the role of this variant in disease. Therefore, it has been classified as a Variant of Uncertain Significance.

Labcorp Genetics (formerly Invitae), Labcorp
Classification: Uncertain significance for Juvenile polyposis syndrome. Last evaluated: 2019-12-05. Review status: criteria provided, single submitter. Criteria: Invitae Variant Classification Sherloc (09022015). Collection method: clinical testing. Allele origin: germline.
Comment: This variant results in a copy number gain of the genomic region encompassing exons 1-11 of the SMAD4 gene. The 5' end of this event is unknown as it extends beyond the assayed region for this gene and therefore may encompass additional genes. The 3' boundary is likely confined to intron 11 of the SMAD4 gene. As the precise location of this event is unknown, it may be in tandem or it may be located elsewhere in the genome. This variant has not been reported in the literature in individuals with SMAD4-related disease. In summary, the available evidence is currently insufficient to determine the role of this variant in disease. Therefore, it has been classified as a Variant of Uncertain Significance.

NC_000018.9:g.(?_48556583)_(48603156_?)dup

Gene: SMAD4 (SMAD family member 4; plus strand). Cytogenetic location: 18q21.2.
Variant type: Duplication.
Identifiers: ClinVar variation 1020271 (VCV001020271.6).